The following is an entry in ClinVar:

NM_002317.7(LOX):c.981C>G (p.Asp327Glu)

Genes: LOX (lysyl oxidase; minus strand), SRFBP1 (serum response factor binding protein 1; plus strand). Cytogenetic location: 5q23.1.
Variant type: single nucleotide variant.
Coding change: c.981C>G on transcript NM_002317.7 (MANE Select); coding-DNA position 981, C replaced by G.
Protein change: p.Asp327Glu; replaces aspartic acid 327 with glutamic acid.
Molecular consequence: missense variant.
Genome position (GRCh38, 1-based): chr5:122,074,067, G>C on the plus strand (C>G on the coding strand, the complement: LOX is on the minus strand). VCF-style: chr5-122074067-G-C. GRCh37 (hg19) VCF-style: chr5-121409762-G-C.
Other names: c.981C>G (NM_002317.6); c.291C>G, p.Asp97Glu (NM_001178102.2); c.90C>G, p.Asp30Glu (NM_001317073.1); short protein forms D97E, D327E, D30E.
Identifiers: ClinVar variation 2807433 (VCV002807433.4), dbSNP rs2532908263, ClinGen allele CA360881534.

ClinVar aggregate classification (germline): Uncertain significance. Review status: criteria provided, multiple submitters, no conflicts (2 of 4 stars). 2 submissions from 2 submitters: Uncertain significance (2). Last evaluated 2025-09-19.

Conditions:
LOX-related disorder. Also called: LOX-related disorders; LOX-related condition.

Submissions (2):

Labcorp Genetics (formerly Invitae), Labcorp
Classification: Uncertain significance. Last evaluated: 2025-09-19. Review status: criteria provided, single submitter. Criteria: Invitae Variant Classification Sherloc (09022015). Collection method: clinical testing. Allele origin: germline.
Comment: This sequence change replaces aspartic acid, which is acidic and polar, with glutamic acid, which is acidic and polar, at codon 327 of the LOX protein (p.Asp327Glu). This variant is not present in population databases (gnomAD no frequency). This variant has not been reported in the literature in individuals affected with LOX-related conditions. ClinVar contains an entry for this variant (Variation ID: 2807433). Invitae Evidence Modeling of protein sequence and biophysical properties (such as structural, functional, and spatial information, amino acid conservation, physicochemical variation, residue mobility, and thermodynamic stability) indicates that this missense variant is expected to disrupt LOX protein function with a positive predictive value of 95%. In summary, the available evidence is currently insufficient to determine the role of this variant in disease. Therefore, it has been classified as a Variant of Uncertain Significance.

PreventionGenetics, part of Exact Sciences
Classification: Uncertain significance for LOX-related condition. Last evaluated: 2025-07-17. Review status: criteria provided, single submitter. Criteria: ACMG Guidelines, 2015. Collection method: clinical testing. Allele origin: germline.
Comment: The LOX c.981C>G variant is predicted to result in the amino acid substitution p.Asp327Glu. To our knowledge, this variant has not been reported in the literature or in a large population database (gnomAD), indicating this variant is rare. At this time, the clinical significance of this variant is uncertain due to the absence of conclusive functional and genetic evidence.